The following is an entry in ClinVar:

ClinVar aggregate classification (germline): Uncertain significance (1 of 4 stars; one submission).

Conditions:
Glycogen storage disease type III (GSD3). Also called: FORBES DISEASE; Cori disease. Identifiers: Orphanet 366, MedGen C0017922, MONDO:0009291, OMIM 232400.

Submission:

Labcorp Genetics (formerly Invitae), Labcorp
Classification: Uncertain significance for Glycogen storage disease type III. Last evaluated: 2023-05-15. Review status: criteria provided, single submitter. Criteria: Invitae Variant Classification Sherloc (09022015). Collection method: clinical testing. Allele origin: germline.
Comment: In summary, the available evidence is currently insufficient to determine the role of this variant in disease. Therefore, it has been classified as a Variant of Uncertain Significance. Advanced modeling of protein sequence and biophysical properties (such as structural, functional, and spatial information, amino acid conservation, physicochemical variation, residue mobility, and thermodynamic stability) performed at Invitae indicates that this missense variant is expected to disrupt AGL protein function. ClinVar contains an entry for this variant (Variation ID: 1362933). This variant has not been reported in the literature in individuals affected with AGL-related conditions. This variant is not present in population databases (gnomAD no frequency). This sequence change replaces serine, which is neutral and polar, with tyrosine, which is neutral and polar, at codon 241 of the AGL protein (p.Ser241Tyr).

NM_000642.3(AGL):c.722C>A (p.Ser241Tyr)

Gene: AGL (amylo-alpha-1,6-glucosidase and 4-alpha-glucanotransferase; plus strand). Cytogenetic location: 1p21.2.
Variant type: single nucleotide variant.
Coding change: c.722C>A on transcript NM_000642.3 (MANE Select); coding-DNA position 722, C replaced by A.
Protein change: p.Ser241Tyr; replaces serine 241 with tyrosine.
Molecular consequence: missense variant.
Genome position (GRCh38, 1-based): chr1:99,870,457, C>A. VCF-style: chr1-99870457-C-A. GRCh37 (hg19) VCF-style: chr1-100336013-C-A.
Other names: c.722C>A, p.Ser241Tyr (NM_001425325.1, NM_001425326.1, NM_000028.3 and 3 more transcripts); c.674C>A, p.Ser225Tyr (NM_000646.3); c.518C>A, p.Ser173Tyr (NM_001425328.1, NM_001425329.1); c.344C>A, p.Ser115Tyr (NM_001425332.1); short protein forms S241Y, S225Y, S115Y, S173Y.
Identifiers: ClinVar variation 1362933 (VCV001362933.8), dbSNP rs2101112172, ClinGen allele CA341339499.